The following is an entry in ClinVar:

ClinVar aggregate classification (germline): Likely benign. Review status: criteria provided, multiple submitters, no conflicts (2 of 4 stars). 2 submissions from 2 submitters: Likely benign (2). Last evaluated 2026-08-26.

Conditions:
LTBP4-related disorder. Also called: LTBP4-related condition.

gnomAD v4.1: 23 of 1,573,596 alleles (0.0015%); highest among the groups gnomAD compares: Middle Eastern, 0.033%; no homozygotes.

Submissions (2):

PreventionGenetics, part of Exact Sciences
Classification: Likely benign for LTBP4-related condition. Last evaluated: 2026-08-26. Review status: criteria provided, single submitter. Criteria: ACMG Guidelines, 2015. Collection method: clinical testing. Allele origin: germline.
Comment: This variant is classified as likely benign based on ACMG/AMP sequence variant interpretation guidelines (Richards et al. 2015 PMID: 25741868, with internal and published modifications).

Labcorp Genetics (formerly Invitae), Labcorp
Classification: Likely benign. Last evaluated: 2026-01-25. Review status: criteria provided, single submitter. Criteria: Invitae Variant Classification Sherloc (09022015). Collection method: clinical testing. Allele origin: germline.

NM_001042545.2(LTBP4):c.2538C>T (p.Pro846=)

Gene: LTBP4 (latent transforming growth factor beta binding protein 4; plus strand). Cytogenetic location: 19q13.2.
Variant type: single nucleotide variant.
Coding change: c.2538C>T on transcript NM_001042545.2 (MANE Select); coding-DNA position 2538, C replaced by T.
Protein change: p.Pro846=; no amino-acid change (proline 846 retained).
Molecular consequence: synonymous variant.
Genome position (GRCh38, 1-based): chr19:40,613,510, C>T. VCF-style: chr19-40613510-C-T. GRCh37 (hg19) VCF-style: chr19-41119416-C-T.
Other names: c.2739C>T, p.Pro913= (NM_001042544.1); c.2628C>T, p.Pro876= (NM_003573.2).
Identifiers: ClinVar variation 3715715 (VCV003715715.3).